The following is an entry in ClinVar:

NM_024642.5(GALNT12):c.1000G>T (p.Val334Phe)

Gene: GALNT12 (polypeptide N-acetylgalactosaminyltransferase 12; plus strand). Cytogenetic location: 9q22.33.
Variant type: single nucleotide variant.
Coding change: c.1000G>T on transcript NM_024642.5 (MANE Select); coding-DNA position 1000, G replaced by T.
Protein change: p.Val334Phe; replaces valine 334 with phenylalanine.
Molecular consequence: missense variant.
Genome position (GRCh38, 1-based): chr9:98,835,331, G>T. VCF-style: chr9-98835331-G-T. GRCh37 (hg19) VCF-style: chr9-101597613-G-T.
Other names: short protein forms V334F.
Identifiers: ClinVar variation 1752973 (VCV001752973.3), dbSNP rs1253229518, ClinGen allele CA374219495.

ClinVar aggregate classification (germline): Uncertain significance (1 of 4 stars; one submission).

Allele frequency attached by ClinVar (database versions not stated): TOPMed below 0.00001; gnomAD 0.00001.
gnomAD v4.1: 2 of 1,613,150 alleles (0.00012%); highest among the groups gnomAD compares: African/African-American, 0.0027%; no homozygotes.

Submission:

Ambry Genetics
Classification: Uncertain significance. Last evaluated: 2024-11-03. Review status: criteria provided, single submitter. Criteria: Ambry Variant Classification Scheme 2023. Collection method: clinical testing. Allele origin: germline.
Comment: The p.V334F variant (also known as c.1000G>T), located in coding exon 5 of the GALNT12 gene, results from a G to T substitution at nucleotide position 1000. The valine at codon 334 is replaced by phenylalanine, an amino acid with highly similar properties. This amino acid position is highly conserved in available vertebrate species. In addition, this alteration is predicted to be deleterious by in silico analysis. Since supporting evidence is limited at this time, the clinical significance of this alteration remains unclear.